The following is an entry in ClinVar:

NM_015102.5(NPHP4):c.279+8C>T

Gene: NPHP4 (nephrocystin 4; minus strand). Cytogenetic location: 1p36.31.
Variant type: single nucleotide variant.
Coding change: c.279+8C>T on transcript NM_015102.5 (MANE Select); 8 bases into the intron after coding-DNA position 279, C replaced by T.
Molecular consequence: intron variant.
Genome position (GRCh38, 1-based): chr1:5,978,262, G>A on the plus strand (C>T on the coding strand, the complement: NPHP4 is on the minus strand). VCF-style: chr1-5978262-G-A. GRCh37 (hg19) VCF-style: chr1-6038322-G-A.
Other names: c.279+8C>T (NM_015102.4); c.-1087-9003C>T (NM_001291594.2); c.-951+8C>T (NM_001291593.2).
Identifiers: ClinVar variation 1646002 (VCV001646002.9), dbSNP rs1213477175, ClinGen allele CA520735092.
Genomic context (GRCh38, chr1:5,978,262, plus strand): 5'-CACCCAGGACCACCCGCACACACACCCTCCGCCTTGGAGCAGCCCCTGCCACCATCACCA[G>A]GGCCCACCTCATTAAAGACGATCCTGGACGGCGGTCTCTTCGTCGGCTTCACTGTGGTTT-3'

ClinVar aggregate classification (germline): Likely benign. Review status: criteria provided, multiple submitters, no conflicts (2 of 4 stars). 2 submissions from 2 submitters: Likely benign (2). Last evaluated 2026-08-12.

Conditions:
NPHP4-related disorder. Also called: NPHP4-related disorders; NPHP4-related condition. Identifiers: MedGen CN239384.
Nephronophthisis. Also called: Juvenile Nephronophthisis. Identifiers: Orphanet 655, MedGen C0687120, MONDO:0019005, HP:0000090.

Submissions (2):

PreventionGenetics, part of Exact Sciences
Classification: Likely benign for NPHP4-related condition. Last evaluated: 2026-08-12. Review status: criteria provided, single submitter. Criteria: ACMG Guidelines, 2015. Collection method: clinical testing. Allele origin: germline.
Comment: This variant is classified as likely benign based on ACMG/AMP sequence variant interpretation guidelines (Richards et al. 2015 PMID: 25741868, with internal and published modifications).

Labcorp Genetics (formerly Invitae), Labcorp
Classification: Likely benign for Nephronophthisis. Last evaluated: 2021-09-15. Review status: criteria provided, single submitter. Criteria: Invitae Variant Classification Sherloc (09022015). Collection method: clinical testing. Allele origin: germline.